The following is an entry in ClinVar:

ClinVar aggregate classification (germline): Uncertain significance (1 of 4 stars; one submission).

Conditions:
STRC-related disorder. Also called: STRC-related condition.

gnomAD v4.1: 6 of 1,611,068 alleles (0.00037%); highest among the groups gnomAD compares: African/African-American, 0.0053%; no homozygotes.

Submission:

PreventionGenetics, part of Exact Sciences
Classification: Uncertain significance for STRC-related condition. Last evaluated: 2026-09-14. Review status: criteria provided, single submitter. Criteria: ACMG Guidelines, 2015. Collection method: clinical testing. Allele origin: germline.
Comment: The STRC c.3946C>T variant is predicted to result in the amino acid substitution p.Pro1316Ser. To our knowledge, this variant has not been reported in the literature. This variant is reported in 0.0047% of alleles in individuals of African descent in gnomAD. At this time, the clinical significance of this variant is uncertain due to the absence of conclusive functional and genetic evidence.

NM_153700.2(STRC):c.3946C>T (p.Pro1316Ser)

Gene: STRC (stereocilin; minus strand). Cytogenetic location: 15q15.3.
Variant type: single nucleotide variant.
Coding change: c.3946C>T on transcript NM_153700.2 (MANE Select); coding-DNA position 3946, C replaced by T.
Protein change: p.Pro1316Ser; replaces proline 1316 with serine.
Molecular consequence: missense variant.
Genome position (GRCh38, 1-based): chr15:43,604,831, G>A on the plus strand (C>T on the coding strand, the complement: STRC is on the minus strand). VCF-style: chr15-43604831-G-A. GRCh37 (hg19) VCF-style: chr15-43897029-G-A.
Other names: short protein forms P1316S.
Identifiers: ClinVar variation 4985036 (VCV004985036.1).